The following is an entry in ClinVar:

ClinVar aggregate classification (germline): Uncertain significance (1 of 4 stars; one submission).

Submission:

GeneDx
Classification: Uncertain significance. Last evaluated: 2024-06-12. Review status: criteria provided, single submitter. Criteria: GeneDx Variant Classification Process June 2021. Collection method: clinical testing. Allele origin: germline. Affected: yes.
Comment: Not observed at significant frequency in large population cohorts (gnomAD); Frameshift variant predicted to result in protein truncation or nonsense mediated decay in a gene or region of a gene for which loss of function is not a well-established mechanism of disease; Has not been previously published as pathogenic or benign to our knowledge.

NM_001693.4(ATP6V1B2):c.1145_1148dup (p.His384fs)

Gene: ATP6V1B2 (ATPase H+ transporting V1 subunit B2; plus strand). Cytogenetic location: 8p21.3.
Variant type: Duplication.
Coding change: c.1145_1148dup on transcript NM_001693.4 (MANE Select); coding-DNA positions 1145 to 1148, 4 bases duplicated (AGCT; older notation c.1145_1148dupAGCT).
Protein change: p.His384fs; shifts the reading frame from histidine 384.
Molecular consequence: frameshift variant.
Genome position (GRCh38, 1-based): chr8:20,216,479-20,216,482, AGCT duplicated. VCF-style (leftmost placement, unchanged base first): chr8-20216478-C-CAGCT. GRCh37 (hg19) VCF-style: chr8-20073989-C-CAGCT.
Other names: short protein forms H384fs.
Identifiers: ClinVar variation 3390601 (VCV003390601.1).